The following is an entry in ClinVar:

NM_000321.3(RB1):c.2326-1G>A

Gene: RB1 (RB transcriptional corepressor 1; plus strand). Cytogenetic location: 13q14.2.
Variant type: single nucleotide variant.
Coding change: c.2326-1G>A on transcript NM_000321.3 (MANE Select); the canonical splice acceptor site of the intron before coding-DNA position 2326, G replaced by A.
Molecular consequence: splice acceptor variant.
Genome position (GRCh38, 1-based): chr13:48,465,204, G>A. VCF-style: chr13-48465204-G-A. GRCh37 (hg19) VCF-style: chr13-49039340-G-A.
Other names: c.2326-1G>A (NM_001407165.1).
Identifiers: ClinVar variation 2736036 (VCV002736036.4), dbSNP rs2542375627, ClinGen allele CA388167746.

ClinVar aggregate classification (germline): Pathogenic. Review status: criteria provided, multiple submitters, no conflicts (2 of 4 stars). 2 submissions from 2 submitters: Pathogenic (2). Last evaluated 2024-05-20.

Conditions:
Retinoblastoma (RB1). Also called: RETINOBLASTOMA, SOMATIC. Identifiers: Orphanet 790, MedGen C0035335, MeSH D012175, MONDO:0008380, OMIM 180200, HP:0009919. Disease mechanism: loss of function. Inheritance: Both sporadic and heritable forms are tested..

Submissions (2):

Genetic Diagnostic Laboratory, University of Pennsylvania School of Medicine
Classification: Pathogenic for Retinoblastoma. Last evaluated: 2024-05-20. Review status: criteria provided, single submitter. Criteria: ACMG Guidelines, 2015. Collection method: clinical testing. Allele origin: germline. Affected: yes. Observed: 1 variant allele.
Comment: Case and Pedigree Information: BILATERAL CASES:1, UNILATERAL CASES:0, TOTAL CASES:1, PEDIGREES:1. ACMG Codes Applied:PVS1, PM2

Labcorp Genetics (formerly Invitae), Labcorp
Classification: Pathogenic for Retinoblastoma. Last evaluated: 2023-11-28. Review status: criteria provided, single submitter. Criteria: Invitae Variant Classification Sherloc (09022015). Collection method: clinical testing. Allele origin: germline.
Comment: This sequence change affects an acceptor splice site in intron 22 of the RB1 gene. It is expected to disrupt RNA splicing. Variants that disrupt the donor or acceptor splice site typically lead to a loss of protein function (PMID: 16199547), and loss-of-function variants in RB1 are known to be pathogenic (PMID: 17096365). This variant is not present in population databases (gnomAD no frequency). Disruption of this splice site has been observed in individual(s) with retinoblastoma (PMID: 14769601, 24282159). This variant is also known as g.162203G>A . Algorithms developed to predict the effect of sequence changes on RNA splicing suggest that this variant may disrupt the consensus splice site. For these reasons, this variant has been classified as Pathogenic.

Literature cited by the submitters: PubMed 16199547 (cited by Labcorp Genetics (formerly Invitae), Labcorp); PubMed 17096365 (cited by Labcorp Genetics (formerly Invitae), Labcorp); PubMed 14769601 (cited by Labcorp Genetics (formerly Invitae), Labcorp); PubMed 24282159 (cited by Labcorp Genetics (formerly Invitae), Labcorp).